The following is an entry in ClinVar:

NM_002291.3(LAMB1):c.2604G>C (p.Gln868His)

Gene: LAMB1 (laminin subunit beta 1; minus strand). Cytogenetic location: 7q31.1.
Variant type: single nucleotide variant.
Coding change: c.2604G>C on transcript NM_002291.3 (MANE Select); coding-DNA position 2604, G replaced by C.
Protein change: p.Gln868His; replaces glutamine 868 with histidine.
Molecular consequence: missense variant.
Genome position (GRCh38, 1-based): chr7:107,959,335, C>G on the plus strand (G>C on the coding strand, the complement: LAMB1 is on the minus strand). VCF-style: chr7-107959335-C-G. GRCh37 (hg19) VCF-style: chr7-107599780-C-G.
Other names: short protein forms Q868H.
Identifiers: ClinVar variation 432539 (VCV000432539.14), dbSNP rs186548567, ClinGen allele CA4435583.

ClinVar aggregate classification (germline): Conflicting classifications of pathogenicity. Review status: criteria provided, conflicting classifications (1 of 4 stars). 4 submissions from 4 submitters: Uncertain significance (3); Likely benign (1). Last evaluated 2025-08-01.

Allele frequency attached by ClinVar (database versions not stated): gnomAD 0.00016; gnomAD exomes 0.00017 and 0.00028; TOPMed 0.00023; ExAC 0.00024; 1000 Genomes Project 30x 0.00031; 1000 Genomes Project 0.00040; ESP Exome Variant Server 0.00008.
gnomAD v4.1: 284 of 1,614,258 alleles (0.018%); highest among the groups gnomAD compares: East Asian, 0.18%; 1 homozygote.

Submissions (4):

CeGaT Center for Human Genetics Tuebingen
Classification: Likely benign. Last evaluated: 2025-08-01. Review status: criteria provided, single submitter. Criteria: CeGaT Center For Human Genetics Tuebingen Variant Classification Criteria Version 2. Collection method: clinical testing. Allele origin: germline. Affected: yes. Observed: 1 variant allele.
Comment: LAMB1: BP4

Labcorp Genetics (formerly Invitae), Labcorp
Classification: Uncertain significance. Last evaluated: 2022-11-01. Review status: criteria provided, single submitter. Criteria: Invitae Variant Classification Sherloc (09022015). Collection method: clinical testing. Allele origin: germline.
Comment: This sequence change replaces glutamine, which is neutral and polar, with histidine, which is basic and polar, at codon 868 of the LAMB1 protein (p.Gln868His). This variant is present in population databases (rs186548567, gnomAD 0.2%). This variant has not been reported in the literature in individuals affected with LAMB1-related conditions. ClinVar contains an entry for this variant (Variation ID: 432539). Algorithms developed to predict the effect of missense changes on protein structure and function are either unavailable or do not agree on the potential impact of this missense change (SIFT: "Deleterious"; PolyPhen-2: "Benign"; Align-GVGD: "Class C15"). In summary, the available evidence is currently insufficient to determine the role of this variant in disease. Therefore, it has been classified as a Variant of Uncertain Significance.

GeneDx
Classification: Uncertain significance. Last evaluated: 2017-06-07. Review status: criteria provided, single submitter. Criteria: GeneDx Variant Classification (06012015). Collection method: clinical testing. Allele origin: germline. Affected: yes.
Comment: A variant of uncertain significance has been identified in the LAMB1 gene. The Q868H variant has not been published as a pathogenic variant, nor has it been reported as a benign variant to our knowledge. The Q868H variant is observed in 18/8650 (0.2%) alleles from individuals of East Asian background, in the ExAC dataset (Lek et al., 2016; 1000 Genomes Consortium et al., 2015; Exome Variant Server). The Q868H variant is a semi-conservative amino acid substitution, which may impact secondary protein structure as these residues differ in some properties. This substitution occurs at a position that is conserved in mammals. However, in silico analysis is inconsistent in its predictions as to whether or not the variant is damaging to the protein structure/function. Therefore, based on the currently available information, it is unclear whether this variant is a pathogenic variant or a rare benign variant.

Breakthrough Genomics
Classification: Uncertain significance. Review status: criteria provided, single submitter. Criteria: ACMG Guidelines, 2015. Collection method: not provided. Allele origin: germline. Inheritance: Autosomal recessive inheritance. Affected: yes.